The following is an entry in ClinVar:

ClinVar aggregate classification (germline): Uncertain significance. Review status: criteria provided, multiple submitters, no conflicts (2 of 4 stars). 2 submissions from 2 submitters: Uncertain significance (2). Last evaluated 2025-06-23.

Conditions:
Inborn genetic diseases. Identifiers: MedGen C0950123, MeSH D030342.

Submissions (2):

GeneDx
Classification: Uncertain significance. Last evaluated: 2025-06-23. Review status: criteria provided, single submitter. Criteria: GeneDx Variant Classification Process June 2021. Collection method: clinical testing. Allele origin: germline. Affected: yes.
Comment: Not observed at significant frequency in large population cohorts (gnomAD); In silico analysis suggests that this missense variant does not alter protein structure/function; Has not been previously published as pathogenic or benign to our knowledge

Ambry Genetics
Classification: Uncertain significance for Inborn genetic diseases. Last evaluated: 2025-03-22. Review status: criteria provided, single submitter. Criteria: Ambry Variant Classification Scheme 2023. Collection method: clinical testing. Allele origin: germline.

NM_015311.3(OBSL1):c.4227G>C (p.Gln1409His)

Gene: OBSL1 (obscurin like cytoskeletal adaptor 1; minus strand). Cytogenetic location: 2q35.
Variant type: single nucleotide variant.
Coding change: c.4227G>C on transcript NM_015311.3 (MANE Select); coding-DNA position 4227, G replaced by C.
Protein change: p.Gln1409His; replaces glutamine 1409 with histidine.
Molecular consequence: missense variant.
Genome position (GRCh38, 1-based): chr2:219,556,563, C>G on the plus strand (G>C on the coding strand, the complement: OBSL1 is on the minus strand). VCF-style: chr2-219556563-C-G. GRCh37 (hg19) VCF-style: chr2-220421285-C-G.
Other names: c.4227G>C, p.Gln1409His (NM_001173431.2); short protein forms Q1409H.
Identifiers: ClinVar variation 3923759 (VCV003923759.2).